The following is an entry in ClinVar:

NM_006415.4(SPTLC1):c.355-2del

Gene: SPTLC1 (serine palmitoyltransferase long chain base subunit 1; minus strand). Cytogenetic location: 9q22.31.
Variant type: Deletion.
Coding change: c.355-2del on transcript NM_006415.4 (MANE Select); the canonical splice acceptor site of the intron before coding-DNA position 355, one base deleted (A; older notation c.355-2delA).
Molecular consequence: splice acceptor variant.
Genome position (GRCh38, 1-based): chr9:92,080,090, T deleted on the plus strand (A on the coding strand, the reverse complement: SPTLC1 is on the minus strand); the first of 3 consecutive T bases (chr9:92,080,090-92,080,092); deleting any one gives the same sequence. VCF-style (leftmost placement, unchanged base first): chr9-92080089-CT-C. GRCh37 (hg19) VCF-style: chr9-94842371-CT-C.
Other names: c.355-2del (NM_001281303.2, NM_178324.3); c.-145-2del (NM_001368272.1); c.-111-2del (NM_001368273.1).
Identifiers: ClinVar variation 1437651 (VCV001437651.6), dbSNP rs2118673753, ClinGen allele CA2573144765.
Genomic context (GRCh38, chr9:92,080,089, plus strand): 5'-AAATCCTCTGGGTCCACAAGTCCCCACGCCATACTTCTTTAGAGATGCTAAAGCTGCTGC[CT>C]TTATTGAAGTACAAGAATTATACTTTAATAATTTATCTTTAAGAGTTCAAAACAAACATT-3'

ClinVar aggregate classification (germline): Uncertain significance (1 of 4 stars; one submission).

Conditions:
Hereditary sensory and autonomic neuropathy type 1 (HSAN1). Also called: HSAN 1; HSN Type I; Hereditary Sensory Neuropathy Type I. Identifiers: Orphanet 36386, MedGen C0020071, MONDO:0018213.

Submission:

Labcorp Genetics (formerly Invitae), Labcorp
Classification: Uncertain significance for Hereditary sensory and autonomic neuropathy type 1. Last evaluated: 2023-08-17. Review status: criteria provided, single submitter. Criteria: Invitae Variant Classification Sherloc (09022015). Collection method: clinical testing. Allele origin: germline.
Comment: In summary, the available evidence is currently insufficient to determine the role of this variant in disease. Therefore, it has been classified as a Variant of Uncertain Significance. This sequence change falls in intron 4 of the SPTLC1 gene. It does not directly change the encoded amino acid sequence of the SPTLC1 protein. This variant is not present in population databases (gnomAD no frequency). This variant has not been reported in the literature in individuals affected with SPTLC1-related conditions. ClinVar contains an entry for this variant (Variation ID: 1437651). Algorithms developed to predict the effect of sequence changes on RNA splicing suggest that this variant may create or strengthen a splice site.